The following is an entry in ClinVar:

ClinVar aggregate classification (germline): Uncertain significance. Review status: criteria provided, multiple submitters, no conflicts (2 of 4 stars). 9 submissions from 9 submitters: Uncertain significance (6). 3 of the submissions do not count toward it. Last evaluated 2026-06-30.

Conditions:
Congenital bilateral aplasia of vas deferens from CFTR mutation (CBAVD). Identifiers: Orphanet 48, MedGen C0403814, MONDO:0010178, OMIM 277180. Disease mechanism: loss of function.
Cystic fibrosis (CF). Also called: MUCOVISCIDOSIS. Identifiers: Orphanet 586, MedGen C0010674, MONDO:0009061, OMIM 219700. Disease mechanism: loss of function.
Bronchiectasis with or without elevated sweat chloride 1 (BESC1). Also called: Cystic Fibrosis-Like Syndrome. Identifiers: Orphanet 60033, MedGen C2749757, MONDO:0008887, OMIM 211400.
Hereditary pancreatitis (PCTT). Also called: Hereditary chronic pancreatitis; PRSS1-Related Hereditary Pancreatitis. Identifiers: Orphanet 676, MedGen C0238339, MONDO:0008185, OMIM 167800.
CFTR-related disorder (CFTR-RD). Also called: CFTR-related condition; CFTR-related disorders. Identifiers: MedGen C5924204, MONDO:7770004.

Allele frequency attached by ClinVar (database versions not stated): gnomAD 0.00002 and 0.00003; ESP Exome Variant Server 0.00008; gnomAD exomes 0.00002 and 0.00001; ExAC 0.00002; TOPMed 0.00002.

Submissions (9):

Women's Health and Genetics/Laboratory Corporation of America, LabCorp
Classification: Uncertain significance. Last evaluated: 2026-06-30. Review status: criteria provided, single submitter. Criteria: LabCorp Variant Classification Summary - May 2015. Collection method: clinical testing. Allele origin: germline.
Comment: Variant summary: CFTR c.4031G>C (p.Cys1344Ser) results in a non-conservative amino acid change located in the AAA+ ATPase domain and ABC transporter-like of the encoded protein sequence. Algorithms developed to predict the effect of missense changes on protein structure and function are either unavailable or do not agree on the potential impact of this missense change. The variant allele was found at a frequency of 2.4e-05 in 251158 control chromosomes. The available data on variant occurrences in the general population are insufficient to allow any conclusion about variant significance. These report(s) do not provide unequivocal conclusions about association of the variant with Cystic Fibrosis. To our knowledge, no direct variant specific experimental evidence demonstrating an impact on protein function has been reported, although Cysteine residues in the nucleotide binding domains have been reported to regulate the conductance state of CFTR channels (Harrington_2002). The following publications have been ascertained in the context of this evaluation (PMID: 16442101, 17035430). ClinVar contains an entry for this variant (Variation ID: 550522). Based on the evidence outlined above, the variant was classified as uncertain significance.

Ambry Genetics
Classification: Uncertain significance for Cystic fibrosis. Last evaluated: 2023-11-27. Review status: criteria provided, single submitter. Criteria: Ambry Variant Classification Scheme 2023. Collection method: clinical testing. Allele origin: germline.
Comment: The p.C1344S variant (also known as c.4031G>C), located in coding exon 25 of the CFTR gene, results from a G to C substitution at nucleotide position 4031. The cysteine at codon 1344 is replaced by serine, an amino acid with dissimilar properties. This amino acid position is poorly conserved in available vertebrate species. In addition, this alteration is predicted to be tolerated by in silico analysis. Since supporting evidence is limited at this time, the clinical significance of this alteration remains unclear.

Labcorp Genetics (formerly Invitae), Labcorp
Classification: Uncertain significance for Cystic fibrosis. Last evaluated: 2022-05-24. Review status: criteria provided, single submitter. Criteria: Invitae Variant Classification Sherloc (09022015). Collection method: clinical testing. Allele origin: germline.
Comment: This sequence change replaces cysteine, which is neutral and slightly polar, with serine, which is neutral and polar, at codon 1344 of the CFTR protein (p.Cys1344Ser). This variant is present in population databases (rs368427311, gnomAD 0.006%). This variant has not been reported in the literature in individuals affected with CFTR-related conditions. ClinVar contains an entry for this variant (Variation ID: 550522). Algorithms developed to predict the effect of missense changes on protein structure and function (SIFT, PolyPhen-2, Align-GVGD) all suggest that this variant is likely to be tolerated. Experimental studies are conflicting or provide insufficient evidence to determine the effect of this variant on CFTR function (PMID: 16442101). In summary, the available evidence is currently insufficient to determine the role of this variant in disease. Therefore, it has been classified as a Variant of Uncertain Significance.

Fulgent Genetics
Classification: Uncertain significance for Hereditary pancreatitis; Bronchiectasis with or without elevated sweat chloride 1; Cystic fibrosis; Congenital bilateral aplasia of vas deferens from CFTR mutation. Last evaluated: 2021-10-13. Review status: criteria provided, single submitter. Criteria: ACMG Guidelines, 2015. Collection method: clinical testing. Allele origin: unknown.

Genome-Nilou Lab
Classification: Uncertain significance for Cystic fibrosis. Last evaluated: 2021-09-05. Review status: criteria provided, single submitter. Criteria: ACMG Guidelines, 2015. Collection method: clinical testing. Allele origin: germline. Affected: no.

ARUP Laboratories, Molecular Genetics and Genomics, ARUP Laboratories
Classification: Uncertain significance. Last evaluated: 2018-10-12. Review status: criteria provided, single submitter. Criteria: ARUP Molecular Germline Variant Investigation Process. Collection method: clinical testing. Allele origin: germline.
Comment: The CFTR c.4031G>C; p.Cys1344Ser variant (rs368427311) is reported in the literature in an individual with bronchiectasis and nontuberculous mycobacterial infection but a normal sweat chloride test (Ziedalski 2006). This variant is found on six chromosomes in the Genome Aggregation Database, indicating it is not a common polymorphism, and it is reported in ClinVar (Variation ID: 550522). The cysteine at codon 1344 is weakly conserved, and computational analyses (SIFT, PolyPhen-2) predict that this variant is tolerated. However, due to limited information, the clinical significance of the p.Cys1344Ser variant is uncertain at this time. References: Ziedalski TM et al. Prospective analysis of cystic fibrosis transmembrane regulator mutations in adults with bronchiectasis or pulmonary nontuberculous mycobacterial infection. Chest. 2006 Oct;130(4):995-1002.

PreventionGenetics, part of Exact Sciences
Classification: Uncertain significance for CFTR-related condition. Last evaluated: 2024-03-08. Review status: no assertion criteria provided. Collection method: clinical testing. Allele origin: germline. Not counted in ClinVar's aggregate classification.
Comment: The CFTR c.4031G>C variant is predicted to result in the amino acid substitution p.Cys1344Ser. This variant was reported in an individual with bronchiectasis and normal sweat chloride level (Ziedalski et al. 2006. PubMed ID: 17035430). Functional studies suggest that the p.Cys1344Ser may reduce the frequency of CFTR channel subconductance opening (Harrington and Kopito. 2002. PubMed ID: 11867445; Figure 4, Frelet and Klein. 2006. PubMed ID: 16442101). This variant is reported in 0.0056% of alleles in individuals of Latino descent in gnomAD. At this time, the clinical significance of this variant is uncertain due to the absence of conclusive functional and genetic evidence.

Natera, Inc.
Classification: Uncertain significance for CFTR-related disorders. Last evaluated: 2018-10-26. Review status: no assertion criteria provided. Collection method: clinical testing. Allele origin: germline. Not counted in ClinVar's aggregate classification.

Counsyl
Classification: Uncertain significance for Cystic fibrosis. Last evaluated: 2017-01-31. Review status: no assertion criteria provided. Collection method: clinical testing. Allele origin: unknown. Not counted in ClinVar's aggregate classification.

Literature cited by the submitters: PubMed 17035430 (cited by Women's Health and Genetics/Laboratory Corporation of America, LabCorp); PubMed 16442101 (cited by Women's Health and Genetics/Laboratory Corporation of America, LabCorp and Labcorp Genetics (formerly Invitae), Labcorp).

NM_000492.4(CFTR):c.4031G>C (p.Cys1344Ser)

Gene: CFTR (CF transmembrane conductance regulator; plus strand). Cytogenetic location: 7q31.2.
Variant type: single nucleotide variant.
Coding change: c.4031G>C on transcript NM_000492.4 (MANE Select); coding-DNA position 4031, G replaced by C.
Protein change: p.Cys1344Ser; replaces cysteine 1344 with serine.
Molecular consequence: missense variant.
Genome position (GRCh38, 1-based): chr7:117,664,755, G>C. VCF-style: chr7-117664755-G-C. GRCh37 (hg19) VCF-style: chr7-117304809-G-C.
Other names: short protein forms C1344S.
Identifiers: ClinVar variation 550522 (VCV000550522.24), dbSNP rs368427311, ClinGen allele CA4451613.